The following is an entry in ClinVar:

NM_006230.4(POLD2):c.559G>A (p.Ala187Thr)

Gene: POLD2 (DNA polymerase delta 2, accessory subunit; minus strand). Cytogenetic location: 7p13.
Variant type: single nucleotide variant.
Coding change: c.559G>A on transcript NM_006230.4 (MANE Select); coding-DNA position 559, G replaced by A.
Protein change: p.Ala187Thr; replaces alanine 187 with threonine.
Molecular consequence: missense variant.
Genome position (GRCh38, 1-based): chr7:44,117,155, C>T on the plus strand (G>A on the coding strand, the complement: POLD2 is on the minus strand). VCF-style: chr7-44117155-C-T. GRCh37 (hg19) VCF-style: chr7-44156754-C-T.
Other names: c.559G>A, p.Ala187Thr (NM_001127218.3, NM_001256879.2); short protein forms A187T.
Identifiers: ClinVar variation 2763319 (VCV002763319.3), dbSNP rs768064825, ClinGen allele CA4238812.
Genomic context (GRCh38, chr7:44,117,155, plus strand): 5'-CCATGAGCTGGTTCCAGCTCCCGAGAACTGCTGCTCACCTATCTGTGTCAAGTGGGGGTG[C>T]GGGCTTCTGGGGAGCAAGGTCAGCAAAGCAATAGTCCTCCACCAGAAACTTCCCGTCGTC-3'
Protein context (NP_006221.3, residues 177-197): CFADLAPQKP[Ala187Thr]PPLDTDRFVL

ClinVar aggregate classification (germline): Uncertain significance (1 of 4 stars; one submission).

Allele frequency attached by ClinVar (database versions not stated): TOPMed below 0.00001; gnomAD 0.00002; ExAC 0.00003.

Submission:

Labcorp Genetics (formerly Invitae), Labcorp
Classification: Uncertain significance. Last evaluated: 2023-09-25. Review status: criteria provided, single submitter. Criteria: Invitae Variant Classification Sherloc (09022015). Collection method: clinical testing. Allele origin: germline.
Comment: In summary, the available evidence is currently insufficient to determine the role of this variant in disease. Therefore, it has been classified as a Variant of Uncertain Significance. Algorithms developed to predict the effect of missense changes on protein structure and function output the following: SIFT: "Not Available"; PolyPhen-2: "Not Available"; Align-GVGD: "Not Available". The threonine amino acid residue is found in multiple mammalian species, which suggests that this missense change does not adversely affect protein function. This variant has not been reported in the literature in individuals affected with POLD2-related conditions. This variant is present in population databases (rs768064825, gnomAD 0.005%). This sequence change replaces alanine, which is neutral and non-polar, with threonine, which is neutral and polar, at codon 222 of the POLD2 protein (p.Ala222Thr).